The following is an entry in ClinVar:

NM_001384474.1(LOXHD1):c.3658A>C (p.Lys1220Gln)

Gene: LOXHD1 (lipoxygenase homology PLAT domains 1; minus strand). Cytogenetic location: 18q21.1.
Variant type: single nucleotide variant.
Coding change: c.3658A>C on transcript NM_001384474.1 (MANE Select); coding-DNA position 3658, A replaced by C.
Protein change: p.Lys1220Gln; replaces lysine 1220 with glutamine.
Molecular consequence: missense variant.
Genome position (GRCh38, 1-based): chr18:46,542,817, T>G on the plus strand (A>C on the coding strand, the complement: LOXHD1 is on the minus strand). VCF-style: chr18-46542817-T-G. GRCh37 (hg19) VCF-style: chr18-44122780-T-G.
Other names: c.325A>C, p.Lys109Gln (NM_001145472.3); c.37A>C, p.Lys13Gln (NM_001308013.2); c.3658A>C, p.Lys1220Gln (NM_144612.7); short protein forms K109Q, K1220Q, K13Q.
Identifiers: ClinVar variation 1315798 (VCV001315798.2), dbSNP rs2144371667, ClinGen allele CA402378125.
Genomic context (GRCh38, chr18:46,542,817, plus strand): 5'-ACAGGTCTCCCAGATCCAGCGTCTCCACCGTGAAGATTTCAATGCTGTCCCTCTCAAACT[T>G]ATCGCTGTTTGTCTTGGAGGACTTCAGGAGGGTCATTCCTGTGGATCAGATGACCCCAGC-3'
Protein context (NP_001371403.1, residues 1210-1230): LLKSSKTNSD[Lys1220Gln]FERDSIEIFT

ClinVar aggregate classification (germline): Uncertain significance (1 of 4 stars; one submission).

Allele frequency attached by ClinVar (database versions not stated): gnomAD exomes 0.00001.
gnomAD v4.1: 8 of 1,551,668 alleles (0.00052%); highest among the groups gnomAD compares: Non-Finnish European, 0.0007%; no homozygotes.

Submission:

GeneDx
Classification: Uncertain significance. Last evaluated: 2019-09-18. Review status: criteria provided, single submitter. Criteria: GeneDx Variant Classification Process June 2021. Collection method: clinical testing. Allele origin: germline. Affected: yes.
Comment: Not observed in large population cohorts (Lek et al., 2016); In silico analysis, which includes protein predictors and evolutionary conservation, supports a deleterious effect; Has not been previously published as pathogenic or benign to our knowledge